The following is an entry in ClinVar:

ClinVar aggregate classification (germline): Uncertain significance (1 of 4 stars; one submission).

Conditions:
Pierpont syndrome (PRPTS). Identifiers: Orphanet 487825, MedGen C1865644, MONDO:0011213, OMIM 602342.

Submission:

Labcorp Genetics (formerly Invitae), Labcorp
Classification: Uncertain significance for Pierpont syndrome. Last evaluated: 2023-06-11. Review status: criteria provided, single submitter. Criteria: Invitae Variant Classification Sherloc (09022015). Collection method: clinical testing. Allele origin: germline.
Comment: Variants that disrupt the consensus splice site are a relatively common cause of aberrant splicing (PMID: 17576681, 9536098). Algorithms developed to predict the effect of sequence changes on RNA splicing suggest that this variant is not likely to affect RNA splicing. ClinVar contains an entry for this variant (Variation ID: 2160917). This variant has not been reported in the literature in individuals affected with TBL1XR1-related conditions. This variant is not present in population databases (gnomAD no frequency). This sequence change falls in intron 11 of the TBL1XR1 gene. It does not directly change the encoded amino acid sequence of the TBL1XR1 protein. It affects a nucleotide within the consensus splice site. In summary, the available evidence is currently insufficient to determine the role of this variant in disease. Therefore, it has been classified as a Variant of Uncertain Significance.

Literature cited by the submitters: PubMed 17576681; PubMed 9536098.

NM_024665.7(TBL1XR1):c.1047+5G>T

Genes: TBL1XR1 (TBL1X/Y related 1; minus strand), TBL1XR1-AS1 (TBL1XR1 antisense RNA 1; plus strand), LOC126806878 (CDK7 strongly-dependent group 2 enhancer GRCh37_chr3:176755168-176756367; plus strand). Cytogenetic location: 3q26.32.
Variant type: single nucleotide variant.
Coding change: c.1047+5G>T on transcript NM_024665.7 (MANE Select); 5 bases into the intron after coding-DNA position 1047, G replaced by T.
Molecular consequence: intron variant.
Genome position (GRCh38, 1-based): chr3:177,038,308, C>A on the plus strand (G>T on the coding strand, the complement: TBL1XR1 is on the minus strand). VCF-style: chr3-177038308-C-A. GRCh37 (hg19) VCF-style: chr3-176756096-C-A.
Other names: c.1047+5G>T (NM_001374327.1, NM_001321194.3, NM_001321193.3 and 2 more transcripts); c.786+5G>T (NM_001374330.1, NM_001321195.3).
Identifiers: ClinVar variation 2160917 (VCV002160917.4), dbSNP rs2473634039, ClinGen allele CA2580069136.